The following is an entry in ClinVar:

ClinVar aggregate classification (germline): Likely benign (1 of 4 stars; one submission).

Conditions:
P4HTM-related disorder. Also called: P4HTM-related condition.

gnomAD v4.1: 134 of 1,612,868 alleles (0.0083%); highest among the groups gnomAD compares: South Asian, 0.14%; 1 homozygote.

Submission:

PreventionGenetics, part of Exact Sciences
Classification: Likely benign for P4HTM-related condition. Last evaluated: 2025-01-25. Review status: criteria provided, single submitter. Criteria: ACMG Guidelines, 2015. Collection method: clinical testing. Allele origin: germline.
Comment: This variant is classified as likely benign based on ACMG/AMP sequence variant interpretation guidelines (Richards et al. 2015 PMID: 25741868, with internal and published modifications).

NM_177939.3(P4HTM):c.1471C>T (p.Leu491=)

Gene: P4HTM (prolyl 4-hydroxylase, transmembrane; plus strand). Cytogenetic location: 3p21.31.
Variant type: single nucleotide variant.
Coding change: c.1471C>T on transcript NM_177939.3 (MANE Select); coding-DNA position 1471, C replaced by T.
Protein change: p.Leu491=; no amino-acid change (leucine 491 retained).
Molecular consequence: synonymous variant.
Genome position (GRCh38, 1-based): chr3:49,006,869, C>T. VCF-style: chr3-49006869-C-T. GRCh37 (hg19) VCF-style: chr3-49044302-C-T.
Other names: c.1654C>T, p.Leu552= (NM_177938.2).
Identifiers: ClinVar variation 4977723 (VCV004977723.1).